The following is an entry in ClinVar:

ClinVar aggregate classification (germline): Uncertain significance (1 of 4 stars; one submission).

Conditions:
Hereditary angioedema type 1 (HAE1). Identifiers: Orphanet 100050, Orphanet 100051, Orphanet 91378, MedGen C2717906, MONDO:0015053, OMIM 106100.

gnomAD v4.1: 2 of 1,599,942 alleles (0.00013%); highest among the groups gnomAD compares: Admixed American, 0.0033%; no homozygotes.

Submission:

DNA-diagnostics Laboratory, Research Centre For Medical Genetics
Classification: Uncertain significance for Hereditary angioedema type 1. Last evaluated: 2024-07-15. Review status: criteria provided, single submitter. Criteria: ACMG Guidelines, 2015. Collection method: research. Allele origin: germline. Inheritance: Autosomal dominant inheritance. Affected: yes. Observed: 4 variant alleles, 4 heterozygotes.
Comment: The pathogenic or likely pathogenic SERPING1 gene variants are detected in >90% of the HAE1/2 families and in >80% of the total HAE families (e.g., DOI: 10.1016/j.molimm.2008.05.007, 10.1159/2F000138883, 10.1016/j.molimm.2011.07.010). The c.874G>C allele was present at not greater than expected for HAE frequency in gnomAD v4.1.0 database (0.00003 in Admixed American only). In summary, the c.889+81G>C variant in SERPING1 meets ACMG/ClinGen SVI guidance criteria to be classified as a variant of uncertain significance: PP4_Str, PP1, BP4, BP5

NM_000062.3(SERPING1):c.889+81G>C

Gene: SERPING1 (serpin family G member 1; plus strand). Cytogenetic location: 11q12.1.
Variant type: single nucleotide variant.
Coding change: c.889+81G>C on transcript NM_000062.3 (MANE Select); 81 bases into the intron after coding-DNA position 889, G replaced by C.
Molecular consequence: intron variant.
Genome position (GRCh38, 1-based): chr11:57,606,294, G>C. VCF-style: chr11-57606294-G-C. GRCh37 (hg19) VCF-style: chr11-57373767-G-C.
Other names: c.889+81G>C (NM_001032295.2).
Identifiers: ClinVar variation 3338023 (VCV003338023.2), dbSNP rs1294849803.